The following is an entry in ClinVar:

NM_001292063.2(OTOG):c.293-3C>A

Gene: OTOG (otogelin; plus strand). Cytogenetic location: 11p15.1.
Variant type: single nucleotide variant.
Coding change: c.293-3C>A on transcript NM_001292063.2 (MANE Select); 3 bases into the intron before coding-DNA position 293, C replaced by A.
Molecular consequence: intron variant.
Genome position (GRCh38, 1-based): chr11:17,553,116, C>A. VCF-style: chr11-17553116-C-A. GRCh37 (hg19) VCF-style: chr11-17574663-C-A.
Other names: c.329-3C>A (NM_001277269.2).
Identifiers: ClinVar variation 2974445 (VCV002974445.3), dbSNP rs1435483987, ClinGen allele CA597671862.
Genomic context (GRCh38, chr11:17,553,116, plus strand): 5'-CTGCCTCCCTGGGTTCTGCCAATCTCAGCTTGATGGGGCAATGACTCTGTGTCTCCCATG[C>A]AGACTTGTTCTCCTGCTTCAATGGAGGCGAGTGTGTGCACCCAGCCTTCTGTGACTGCAG-3'

ClinVar aggregate classification (germline): Uncertain significance (1 of 4 stars; one submission).

Allele frequency attached by ClinVar (database versions not stated): gnomAD 0.00001; TOPMed 0.00001.
gnomAD v4.1: 11 of 1,550,298 alleles (0.00071%); highest among the groups gnomAD compares: Non-Finnish European, 0.00087%; no homozygotes.

Submission:

Labcorp Genetics (formerly Invitae), Labcorp
Classification: Uncertain significance. Last evaluated: 2023-02-14. Review status: criteria provided, single submitter. Criteria: Invitae Variant Classification Sherloc (09022015). Collection method: clinical testing. Allele origin: germline.
Comment: In summary, the available evidence is currently insufficient to determine the role of this variant in disease. Therefore, it has been classified as a Variant of Uncertain Significance. Variants that disrupt the consensus splice site are a relatively common cause of aberrant splicing (PMID: 17576681, 9536098). Algorithms developed to predict the effect of sequence changes on RNA splicing suggest that this variant may disrupt the consensus splice site. This variant has not been reported in the literature in individuals affected with OTOG-related conditions. The frequency data for this variant in the population databases is considered unreliable, as metrics indicate poor data quality at this position in the gnomAD database. This sequence change falls in intron 3 of the OTOG gene. It does not directly change the encoded amino acid sequence of the OTOG protein. It affects a nucleotide within the consensus splice site.

Literature cited by the submitters: PubMed 17576681; PubMed 9536098.